The following is an entry in ClinVar:

ClinVar aggregate classification (germline): Conflicting classifications of pathogenicity. Review status: criteria provided, conflicting classifications (1 of 4 stars). 6 submissions from 6 submitters: Uncertain significance (2); Benign (1); Likely benign (3). Last evaluated 2026-01-20.

Conditions:
Inborn genetic diseases. Identifiers: MedGen C0950123, MeSH D030342.
Cerebral folate transport deficiency. Also called: Neurodegenerative syndrome due to cerebral folate transport deficiency; Cerebral folate deficiency syndrome; NEURODEGENERATION DUE TO CEREBRAL FOLATE TRANSPORT DEFICIENCY; FOLATE RECEPTOR DEFICIENCY; FOLR1-Related Cerebral Folate Transport Deficiency. Identifiers: Orphanet 217382, MedGen C2751584, MONDO:0013110, OMIM 613068. Disease mechanism: loss of function.

Allele frequency attached by ClinVar (database versions not stated): ExAC 0.00021; gnomAD 0.00021 and 0.00029; ESP Exome Variant Server 0.00023; gnomAD exomes 0.00023 and 0.00024; TOPMed 0.00036.
gnomAD v4.1: 391 of 1,613,814 alleles (0.024%); highest among the groups gnomAD compares: Middle Eastern, 0.033%; no homozygotes.

Submissions (6):

Labcorp Genetics (formerly Invitae), Labcorp
Classification: Likely benign for Cerebral folate transport deficiency. Last evaluated: 2026-01-20. Review status: criteria provided, single submitter. Criteria: Invitae Variant Classification Sherloc (09022015). Collection method: clinical testing. Allele origin: germline.

Blueprint Genetics
Classification: Likely benign. Last evaluated: 2024-10-16. Review status: criteria provided, single submitter. Criteria: ACMG Guidelines, 2015. Collection method: clinical testing. Allele origin: germline.

Illumina Laboratory Services, Illumina
Classification: Uncertain significance for Cerebral folate transport deficiency. Last evaluated: 2018-01-12. Review status: criteria provided, single submitter. Criteria: ICSL Variant Classification Criteria 13 December 2019. Collection method: clinical testing. Allele origin: germline.

Ambry Genetics
Classification: Likely benign for Inborn genetic diseases. Last evaluated: 2016-07-24. Review status: criteria provided, single submitter. Criteria: Ambry Variant Classification Scheme 2023. Collection method: clinical testing. Allele origin: germline.

Eurofins Ntd Llc (ga)
Classification: Uncertain significance. Last evaluated: 2015-09-22. Review status: criteria provided, single submitter. Criteria: EGL Classification Definitions 2015. Collection method: clinical testing. Allele origin: germline. Observed: 1 variant allele, 1 heterozygote.

GeneDx
Classification: Benign. Last evaluated: 2014-10-02. Review status: criteria provided, single submitter. Criteria: GeneDx Variant Classification (06012015). Collection method: clinical testing. Allele origin: germline. Affected: yes.
Comment: This variant is considered likely benign or benign based on one or more of the following criteria: it is a conservative change, it occurs at a poorly conserved position in the protein, it is predicted to be benign by multiple in silico algorithms, and/or has population frequency not consistent with disease.

NM_016729.3(FOLR1):c.157T>C (p.Leu53=)

Genes: FOLR1 (folate receptor alpha; plus strand), FOLR1-AS1 (FOLR1 antisense RNA 1; minus strand). Cytogenetic location: 11q13.4.
Variant type: single nucleotide variant.
Coding change: c.157T>C on transcript NM_016729.3 (MANE Select); coding-DNA position 157, T replaced by C.
Protein change: p.Leu53=; no amino-acid change (leucine 53 retained).
Molecular consequence: synonymous variant.
Genome position (GRCh38, 1-based): chr11:72,192,330, T>C. VCF-style: chr11-72192330-T-C. GRCh37 (hg19) VCF-style: chr11-71903374-T-C.
Other names: p.L53L:TTG>CTG; c.157T>C, p.Leu53= (NM_000802.3, NM_016724.3, NM_016725.3).
Identifiers: ClinVar variation 195316 (VCV000195316.25), dbSNP rs143413500, ClinGen allele CA241692.